The following is an entry in ClinVar:

ClinVar aggregate classification (germline): Likely benign. Review status: criteria provided, multiple submitters, no conflicts (2 of 4 stars). 2 submissions from 2 submitters: Likely benign (2). Last evaluated 2024-12-18.

Conditions:
PHIP-related disorder. Also called: PHIP-related condition; PHIP-related disorders.

gnomAD v4.1: 2 of 1,612,194 alleles (0.00012%); highest among the groups gnomAD compares: Admixed American, 0.0017%; no homozygotes.

Submissions (2):

PreventionGenetics, part of Exact Sciences
Classification: Likely benign for PHIP-related condition. Last evaluated: 2024-12-18. Review status: criteria provided, single submitter. Criteria: ACMG Guidelines, 2015. Collection method: clinical testing. Allele origin: germline.
Comment: This variant is classified as likely benign based on ACMG/AMP sequence variant interpretation guidelines (Richards et al. 2015 PMID: 25741868, with internal and published modifications).

Labcorp Genetics (formerly Invitae), Labcorp
Classification: Likely benign. Last evaluated: 2024-04-25. Review status: criteria provided, single submitter. Criteria: Invitae Variant Classification Sherloc (09022015). Collection method: clinical testing. Allele origin: germline.

NM_017934.7(PHIP):c.1880-4A>G

Gene: PHIP (PHIP subunit of CUL4-Ring ligase complex; minus strand). Cytogenetic location: 6q14.1.
Variant type: single nucleotide variant.
Coding change: c.1880-4A>G on transcript NM_017934.7 (MANE Select); 4 bases into the intron before coding-DNA position 1880, A replaced by G.
Molecular consequence: intron variant.
Genome position (GRCh38, 1-based): chr6:78,998,395, T>C on the plus strand (A>G on the coding strand, the complement: PHIP is on the minus strand). VCF-style: chr6-78998395-T-C. GRCh37 (hg19) VCF-style: chr6-79708112-T-C.
Other names: c.1880-4A>G (NM_017934.6).
Identifiers: ClinVar variation 3685502 (VCV003685502.3).
Genomic context (GRCh38, chr6:78,998,395, plus strand): 5'-TGCTGTCCAGTGGGCTGATCTCCTGGTTTGCTTGCTGACTTAAAACTTGATTCAGTCCTA[T>C]ACAATACCACACAAAATATTACGAATATTTTAGCTACTATTCAAACCATTTTACTCACCA-3'